The following is an entry in ClinVar:

ClinVar aggregate classification (germline): Uncertain significance. Review status: criteria provided, multiple submitters, no conflicts (2 of 4 stars). 2 submissions from 2 submitters: Uncertain significance (2). Last evaluated 2025-11-10.

Conditions:
Brugada syndrome. Also called: Sudden Unexplained Death Syndrome; Sudden Unexplained Nocturnal Death Syndrome (SUNDS); Sudden unexplained nocturnal death syndrome; Sudden unexpected nocturnal death syndrome. Identifiers: Orphanet 130, MedGen C1142166, MONDO:0015263.

Allele frequency attached by ClinVar (database versions not stated): 1000 Genomes Project 30x 0.00031; 1000 Genomes Project 0.00040; gnomAD 0.00002; gnomAD exomes 0.00003; TOPMed 0.00001; ExAC 0.00011.
gnomAD v4.1: 52 of 1,594,856 alleles (0.0033%); highest among the groups gnomAD compares: South Asian, 0.046%; 1 homozygote.

Submissions (2):

Ambry Genetics
Classification: Uncertain significance. Last evaluated: 2025-11-10. Review status: criteria provided, single submitter. Criteria: Ambry Variant Classification Scheme 2023. Collection method: clinical testing. Allele origin: germline.

Labcorp Genetics (formerly Invitae), Labcorp
Classification: Uncertain significance for Brugada syndrome. Last evaluated: 2022-08-07. Review status: criteria provided, single submitter. Criteria: Invitae Variant Classification Sherloc (09022015). Collection method: clinical testing. Allele origin: germline.
Comment: This variant is present in population databases (rs546447087, gnomAD 0.05%), and has an allele count higher than expected for a pathogenic variant. In summary, the available evidence is currently insufficient to determine the role of this variant in disease. Therefore, it has been classified as a Variant of Uncertain Significance. Algorithms developed to predict the effect of missense changes on protein structure and function (SIFT, PolyPhen-2, Align-GVGD) all suggest that this variant is likely to be tolerated. This variant has not been reported in the literature in individuals affected with SLMAP-related conditions. This sequence change replaces asparagine, which is neutral and polar, with serine, which is neutral and polar, at codon 371 of the SLMAP protein (p.Asn371Ser).

NM_001377540.1(SLMAP):c.1112A>G (p.Asn371Ser)

Gene: SLMAP (sarcolemma associated protein; plus strand). Cytogenetic location: 3p14.3.
Variant type: single nucleotide variant.
Coding change: c.1112A>G on transcript NM_001377540.1 (MANE Select); coding-DNA position 1112, A replaced by G.
Protein change: p.Asn371Ser; replaces asparagine 371 with serine.
Molecular consequence: missense variant. On other transcripts: non-coding transcript variant (1).
Genome position (GRCh38, 1-based): chr3:57,864,693, A>G. VCF-style: chr3-57864693-A-G. GRCh37 (hg19) VCF-style: chr3-57850420-A-G.
Other names: c.1112A>G, p.Asn371Ser (NM_001377541.1, NM_001377542.1, NM_001377545.1 and 17 more transcripts); c.1112A>G (NM_007159.2); short protein forms N371S.
Identifiers: ClinVar variation 2068825 (VCV002068825.5), dbSNP rs546447087, ClinGen allele CA2467003.
Genomic context (GRCh38, chr3:57,864,693, plus strand): 5'-AAAAAGAACAGGAGCTCCAGGCAAAAATAGAAGCTTTGCAAGCTGATAATGATTTCACCA[A>G]TGAAAGGCTAACAGCTTTACAAGGTAAGTAGCTAATCCAGAAATTGATTTTATTTTATTT-3'
Protein context (NP_001364469.1, residues 361-381): EALQADNDFT[Asn371Ser]ERLTALQVRL